The following is an entry in ClinVar:

ClinVar aggregate classification (germline): Uncertain significance. Review status: criteria provided, multiple submitters, no conflicts (2 of 4 stars). 5 submissions from 5 submitters: Uncertain significance (5). Last evaluated 2026-02-03.

Conditions:
Hereditary cancer-predisposing syndrome. Also called: Hereditary Cancer Syndrome; Hereditary neoplastic syndrome; Neoplastic Syndromes, Hereditary; Tumor predisposition. Identifiers: Orphanet 140162, MedGen C0027672, MeSH D009386, MONDO:0015356.
Multiple endocrine neoplasia, type 2 (MEN2). Identifiers: Orphanet 653, MedGen C4048306, MONDO:0019003. Disease mechanism: gain of function.
Hirschsprung disease, susceptibility to, 1 (HSCR1). Also called: RET-Related Hirschsprung Disease. Identifiers: Orphanet 388, MedGen C3888239, MONDO:0007723, OMIM 142623.

gnomAD v4.1: 1 of 1,580,854 alleles (0.000063%); highest among the groups gnomAD compares: African/African-American, 0.0013%; no homozygotes.

Submissions (5):

Labcorp Genetics (formerly Invitae), Labcorp
Classification: Uncertain significance for Multiple endocrine neoplasia, type 2. Last evaluated: 2026-02-03. Review status: criteria provided, single submitter. Criteria: Invitae Variant Classification Sherloc (09022015). Collection method: clinical testing. Allele origin: germline.
Comment: This sequence change replaces aspartic acid, which is acidic and polar, with glutamic acid, which is acidic and polar, at codon 219 of the RET protein (p.Asp219Glu). This variant is not present in population databases (gnomAD no frequency). This variant has not been reported in the literature in individuals affected with RET-related conditions. ClinVar contains an entry for this variant (Variation ID: 1450795). An algorithm developed to predict the effect of missense changes on protein structure and function (PolyPhen-2) suggests that this variant is likely to be tolerated. In summary, the available evidence is currently insufficient to determine the role of this variant in disease. Therefore, it has been classified as a Variant of Uncertain Significance.

Ambry Genetics
Classification: Uncertain significance for Hereditary cancer-predisposing syndrome. Last evaluated: 2025-11-03. Review status: criteria provided, single submitter. Criteria: Ambry Variant Classification Scheme 2023. Collection method: clinical testing. Allele origin: germline.
Comment: The p.D219E variant (also known as c.657C>G), located in coding exon 4 of the RET gene, results from a C to G substitution at nucleotide position 657. The aspartic acid at codon 219 is replaced by glutamic acid, an amino acid with highly similar properties. This amino acid position is conserved. In addition, this alteration is predicted to be tolerated by in silico analysis. Since supporting evidence is limited at this time, the clinical significance of this alteration remains unclear.

ARUP Laboratories, Molecular Genetics and Genomics, ARUP Laboratories
Classification: Uncertain significance. Last evaluated: 2024-04-12. Review status: criteria provided, single submitter. Criteria: ARUP Molecular Germline Variant Investigation Process 2024. Collection method: clinical testing. Allele origin: germline.
Comment: The RET c.657C>G; p.Asp219Glu variant (rs1837729196), to our knowledge, is not reported in the medical literature but is reported in ClinVar (Variation ID: 1450795). This variant is absent from the Genome Aggregation Database (v2.1.1), indicating it is not a common polymorphism. Computational analyses predict that this variant is neutral (REVEL: 0.106). Due to limited information, the clinical significance of this variant is uncertain at this time.

All of Us Research Program, National Institutes of Health
Classification: Uncertain significance for Multiple endocrine neoplasia, type 2. Last evaluated: 2024-01-03. Review status: criteria provided, single submitter. Criteria: ACMG Guidelines, 2015. Collection method: clinical testing. Allele origin: germline. Inheritance: Autosomal dominant inheritance. Observed: 1 variant allele, 1 heterozygote.
Comment: This missense variant replaces aspartic acid with glutamic acid at codon 219 of the RET protein. Computational prediction suggests that this variant may not impact protein structure and function (internally defined REVEL score threshold <= 0.5, PMID: 27666373). To our knowledge, functional studies have not been reported for this variant. This variant has not been reported in individuals affected with RET-related disorders in the literature. This variant has not been identified in the general population by the Genome Aggregation Database (gnomAD). The available evidence is insufficient to determine the role of this variant in disease conclusively. Therefore, this variant is classified as a Variant of Uncertain Significance.

This study involves interpretation of variants in research participants for the purpose of population health screening. Participant phenotype was not available at the time of variant classification. Additional details can be found in publication PMID: 35346344, PMCID: PMC8962531

Baylor Genetics
Classification: Uncertain significance for Hirschsprung disease, susceptibility to, 1. Last evaluated: 2023-08-08. Review status: criteria provided, single submitter. Criteria: ACMG Guidelines, 2015. Collection method: clinical testing. Allele origin: unknown.

NM_020975.6(RET):c.657C>G (p.Asp219Glu)

Gene: RET (ret proto-oncogene; plus strand). Cytogenetic location: 10q11.21.
Variant type: single nucleotide variant.
Coding change: c.657C>G on transcript NM_020975.6 (MANE Select); coding-DNA position 657, C replaced by G.
Protein change: p.Asp219Glu; replaces aspartic acid 219 with glutamic acid.
Molecular consequence: missense variant.
Genome position (GRCh38, 1-based): chr10:43,104,983, C>G. VCF-style: chr10-43104983-C-G. GRCh37 (hg19) VCF-style: chr10-43600431-C-G.
Other names: c.657C>G, p.Asp219Glu (NM_000323.2, NM_001406743.1, NM_001406744.1 and 8 more transcripts); c.-106C>G (NM_001355216.2); c.528C>G, p.Asp176Glu (NM_001406761.1, NM_001406762.1, NM_001406764.1 and 2 more transcripts); c.369C>G, p.Asp123Glu (NM_001406766.1, NM_001406767.1, NM_001406770.1); short protein forms D219E, D123E, D176E.
Identifiers: ClinVar variation 1450795 (VCV001450795.17), dbSNP rs1837729196, ClinGen allele CA376544397.